The following is an entry in ClinVar:

NM_203447.4(DOCK8):c.1422+17C>T

Gene: DOCK8 (dedicator of cytokinesis 8; plus strand). Cytogenetic location: 9p24.3.
Variant type: single nucleotide variant.
Coding change: c.1422+17C>T on transcript NM_203447.4 (MANE Select); 17 bases into the intron after coding-DNA position 1422, C replaced by T.
Molecular consequence: intron variant.
Genome position (GRCh38, 1-based): chr9:336,735, C>T. VCF-style: chr9-336735-C-T. GRCh37 (hg19) VCF-style: chr9-336735-C-T.
Other names: c.1218+17C>T (NM_001193536.2, NM_001190458.2).
Identifiers: ClinVar variation 379340 (VCV000379340.11), dbSNP rs200839477, ClinGen allele CA4957717.

ClinVar aggregate classification (germline): Benign/Likely benign. Review status: criteria provided, multiple submitters, no conflicts (2 of 4 stars). 4 submissions from 4 submitters: Benign (2); Likely benign (2). Last evaluated 2026-01-27.

Conditions:
Combined immunodeficiency due to DOCK8 deficiency (HIES2). Also called: HIES autosomal recessive; Hyper-IgE recurrent infection syndrome, autosomal recessive; DOCK8 Deficiency; HYPER-IgE RECURRENT INFECTION SYNDROME 2, AUTOSOMAL RECESSIVE; HYPER-IgE SYNDROME 2, AUTOSOMAL RECESSIVE, WITH RECURRENT INFECTIONS. Identifiers: Orphanet 217390, MedGen C4722305, MONDO:0009478, OMIM 243700.

Allele frequency attached by ClinVar (database versions not stated): 1000 Genomes Project 30x 0.00031; 1000 Genomes Project 0.00040; ESP Exome Variant Server 0.00046; gnomAD exomes 0.00064 and 0.00131; gnomAD 0.00071; TOPMed 0.00073; ExAC 0.00099.
gnomAD v4.1: 1,092 of 1,613,862 alleles (0.068%); highest among the groups gnomAD compares: South Asian, 0.18%; 7 homozygotes.

Submissions (4):

Labcorp Genetics (formerly Invitae), Labcorp
Classification: Benign for Combined immunodeficiency due to DOCK8 deficiency. Last evaluated: 2026-01-27. Review status: criteria provided, single submitter. Criteria: Invitae Variant Classification Sherloc (09022015). Collection method: clinical testing. Allele origin: germline.

Women's Health and Genetics/Laboratory Corporation of America, LabCorp
Classification: Benign. Last evaluated: 2026-01-23. Review status: criteria provided, single submitter. Criteria: LabCorp Variant Classification Summary - May 2015. Collection method: clinical testing. Allele origin: germline.

Blueprint Genetics
Classification: Likely benign. Last evaluated: 2024-11-22. Review status: criteria provided, single submitter. Criteria: ACMG Guidelines, 2015. Collection method: clinical testing. Allele origin: germline.

GeneDx
Classification: Likely benign. Last evaluated: 2017-03-27. Review status: criteria provided, single submitter. Criteria: GeneDx Variant Classification (06012015). Collection method: clinical testing. Allele origin: germline. Affected: yes.
Comment: This variant is considered likely benign or benign based on one or more of the following criteria: it is a conservative change, it occurs at a poorly conserved position in the protein, it is predicted to be benign by multiple in silico algorithms, and/or has population frequency not consistent with disease.